The following is an entry in ClinVar:

NM_014946.4(SPAST):c.871-1G>C

Gene: SPAST (spastin; plus strand). Cytogenetic location: 2p22.3.
Variant type: single nucleotide variant.
Coding change: c.871-1G>C on transcript NM_014946.4 (MANE Select); the canonical splice acceptor site of the intron before coding-DNA position 871, G replaced by C.
Molecular consequence: splice acceptor variant.
Genome position (GRCh38, 1-based): chr2:32,115,701, G>C. VCF-style: chr2-32115701-G-C. GRCh37 (hg19) VCF-style: chr2-32340770-G-C.
Other names: c.775-1G>C (NM_199436.2, NM_001377959.1); c.868-1G>C (NM_001363823.2); c.772-1G>C (NM_001363875.2).
Identifiers: ClinVar variation 392516 (VCV000392516.6), dbSNP rs1057524526, ClinGen allele CA16604222.

ClinVar aggregate classification (germline): Pathogenic/Likely pathogenic. Review status: criteria provided, multiple submitters, no conflicts (2 of 4 stars). 3 submissions from 3 submitters: Pathogenic (1); Likely pathogenic (2). Last evaluated 2026-04-29.

Conditions:
SPAST-related disorder. Also called: SPAST-related condition.
Hereditary spastic paraplegia 4. Also called: Spastic paraplegia 4, autosomal dominant; Spastic Paraplegia 4; Familial spastic paraplegia autosomal dominant 2. Identifiers: Orphanet 100985, MedGen C1866855, MONDO:0008438, OMIM 182601.

Submissions (3):

PreventionGenetics, part of Exact Sciences
Classification: Likely pathogenic for SPAST-related condition. Last evaluated: 2026-04-29. Review status: criteria provided, single submitter. Criteria: ACMG Guidelines, 2015. Collection method: clinical testing. Allele origin: germline.
Comment: The SPAST c.871-1G>C variant is predicted to disrupt the AG splice acceptor site and interfere with normal splicing. To our knowledge, this variant has not been reported in the literature or a large population database (gnomAD), indicating this variant is rare. An adjacent nucleotide change that impacts this same splice site (c.871-2A>G) has been reported in a patient with spastic paraplegia (Proukakis et al. 2011. PubMed ID: 21546041). Variants that disrupt the consensus splice acceptor site in SPAST are expected to be pathogenic. This variant is interpreted as likely pathogenic.

Labcorp Genetics (formerly Invitae), Labcorp
Classification: Likely pathogenic for Hereditary spastic paraplegia 4. Last evaluated: 2025-12-09. Review status: criteria provided, single submitter. Criteria: Invitae Variant Classification Sherloc (09022015). Collection method: clinical testing. Allele origin: germline.
Comment: This sequence change affects an acceptor splice site in intron 5 of the SPAST gene. It is expected to disrupt RNA splicing. Variants that disrupt the donor or acceptor splice site typically lead to a loss of protein function (PMID: 16199547), and loss-of-function variants in SPAST are known to be pathogenic (PMID: 20932283). This variant is not present in population databases (gnomAD no frequency). Disruption of this splice site has been observed in individual(s) with hereditary spastic paraplegia (internal data). ClinVar contains an entry for this variant (Variation ID: 392516). Algorithms developed to predict the effect of sequence changes on RNA splicing suggest that this variant may disrupt the consensus splice site. In summary, the currently available evidence indicates that the variant is pathogenic, but additional data are needed to prove that conclusively. Therefore, this variant has been classified as Likely Pathogenic.

GeneDx
Classification: Pathogenic. Last evaluated: 2017-02-09. Review status: criteria provided, single submitter. Criteria: GeneDx Variant Classification (06012015). Collection method: clinical testing. Allele origin: germline. Affected: yes.
Comment: The c.871-1 G>C variant has not been published as a pathogenic variant, nor has it been reported as a benign variant to our knowledge. It is not observed in large population cohorts (Lek et al., 2016; 1000 Genomes Consortium et al., 2015; Exome Variant Server). The c.871-1 G>C splice site variant destroys the natural splice acceptor site for intron 5. It is predicted to cause abnormal gene splicing, either leading to an abnormal message that is subject to nonsense-mediated mRNA decay, or to an abnormal protein product if the message is used for protein translation. Therefore, this variant is likely pathogenic; however, the possibility that it is benign cannot be excluded.

Literature cited by the submitters: PubMed 16199547 (cited by Labcorp Genetics (formerly Invitae), Labcorp); PubMed 20932283 (cited by Labcorp Genetics (formerly Invitae), Labcorp).